The following is an entry in ClinVar:

NM_005271.5(GLUD1):c.1637T>C (p.Val546Ala)

Gene: GLUD1 (glutamate dehydrogenase 1; minus strand). Cytogenetic location: 10q23.2.
Variant type: single nucleotide variant.
Coding change: c.1637T>C on transcript NM_005271.5 (MANE Select); coding-DNA position 1637, T replaced by C.
Protein change: p.Val546Ala; replaces valine 546 with alanine.
Molecular consequence: missense variant.
Genome position (GRCh38, 1-based): chr10:87,051,791, A>G on the plus strand (T>C on the coding strand, the complement: GLUD1 is on the minus strand). VCF-style: chr10-87051791-A-G. GRCh37 (hg19) VCF-style: chr10-88811548-A-G.
Other names: c.1238T>C, p.Val413Ala (NM_001318900.1); c.1136T>C, p.Val379Ala (NM_001318901.1, NM_001318902.1, NM_001318904.2 and 2 more transcripts); short protein forms V413A, V379A, V546A.
Identifiers: ClinVar variation 1431768 (VCV001431768.6), dbSNP rs2133773089, ClinGen allele CA377462753.

ClinVar aggregate classification (germline): Uncertain significance (1 of 4 stars; one submission).

Conditions:
Hyperinsulinism-hyperammonemia syndrome (HHF6). Identifiers: Orphanet 35878, MedGen C1847555, MONDO:0011717, OMIM 606762.

Submission:

Labcorp Genetics (formerly Invitae), Labcorp
Classification: Uncertain significance for Hyperinsulinism-hyperammonemia syndrome. Last evaluated: 2021-12-19. Review status: criteria provided, single submitter. Criteria: Invitae Variant Classification Sherloc (09022015). Collection method: clinical testing. Allele origin: germline.
Comment: In summary, the available evidence is currently insufficient to determine the role of this variant in disease. Therefore, it has been classified as a Variant of Uncertain Significance. Algorithms developed to predict the effect of missense changes on protein structure and function are either unavailable or do not agree on the potential impact of this missense change (SIFT: "Not Available"; PolyPhen-2: "Possibly Damaging"; Align-GVGD: "Not Available"). This variant has not been reported in the literature in individuals affected with GLUD1-related conditions. This variant is not present in population databases (gnomAD no frequency). This sequence change replaces valine, which is neutral and non-polar, with alanine, which is neutral and non-polar, at codon 546 of the GLUD1 protein (p.Val546Ala).